The following is an entry in ClinVar:

ClinVar aggregate classification (germline): Uncertain significance (1 of 4 stars; one submission).

Submission:

Women's Health and Genetics/Laboratory Corporation of America, LabCorp
Classification: Uncertain significance. Last evaluated: 2022-07-01. Review status: criteria provided, single submitter. Criteria: LabCorp Variant Classification Summary - May 2015. Collection method: clinical testing. Allele origin: germline.
Comment: Variant summary: TCOF1 c.3306_3314delTGCTGTGGG (p.Ser1102_Gly1105delinsArg) results in an in-frame deletion-insertion that is predicted to delete four and insert one amino acid from the protein. The variant was absent in 251136 control chromosomes. The available data on variant occurrences in the general population are insufficient to allow any conclusion about variant significance. To our knowledge, no occurrence of c.3306_3314delTGCTGTGGG in individuals affected with Treacher-Collins Syndrome 1 and no experimental evidence demonstrating its impact on protein function have been reported. No clinical diagnostic laboratories have submitted clinical-significance assessments for this variant to ClinVar after 2014. Based on the evidence outlined above, the variant was classified as uncertain significance.

NM_001371623.1(TCOF1):c.3306_3314del (p.Ser1102_Gly1105delinsArg)

Gene: TCOF1 (treacle ribosome biogenesis factor 1; plus strand). Cytogenetic location: 5q32.
Variant type: Deletion.
Coding change: c.3306_3314del on transcript NM_001371623.1 (MANE Select); coding-DNA positions 3306 to 3314, 9 bases deleted (TGCTGTGGG; older notation c.3306_3314delTGCTGTGGG).
Protein change: p.Ser1102_Gly1105delinsArg.
Molecular consequence: inframe indel.
Genome position (GRCh38, 1-based): chr5:150,391,965-150,391,973, TGCTGTGGG deleted; deleting any 9 consecutive bases within chr5:150,391,964-150,391,973 gives the same sequence; the c. name uses the placement nearest the transcript's 3' end. VCF-style (leftmost placement, unchanged base first): chr5-150391963-AGTGCTGTGG-A. GRCh37 (hg19) VCF-style: chr5-149771526-AGTGCTGTGG-A.
Other names: c.3075_3083del, p.Ser1025_Gly1028delinsArg (NM_000356.4, NM_001135245.2); c.3306_3314del, p.Ser1102_Gly1105delinsArg (NM_001135243.2); c.3192_3200del, p.Ser1064_Gly1067delinsArg (NM_001135244.2, NM_001195141.2); c.3306_3314delTGCTGTGGG (NM_001135243.2).
Identifiers: ClinVar variation 1704513 (VCV001704513.1), dbSNP rs2534296413, ClinGen allele CA2580073882.